The following is an entry in ClinVar:

NM_024666.5(AAGAB):c.861T>G (p.His287Gln)

Gene: AAGAB (alpha and gamma adaptin binding protein; minus strand). Cytogenetic location: 15q23.
Variant type: single nucleotide variant.
Coding change: c.861T>G on transcript NM_024666.5 (MANE Select); coding-DNA position 861, T replaced by G.
Protein change: p.His287Gln; replaces histidine 287 with glutamine.
Molecular consequence: missense variant.
Genome position (GRCh38, 1-based): chr15:67,203,557, A>C on the plus strand (T>G on the coding strand, the complement: AAGAB is on the minus strand). VCF-style: chr15-67203557-A-C. GRCh37 (hg19) VCF-style: chr15-67495895-A-C.
Other names: c.534T>G, p.His178Gln (NM_001271885.2, NM_001271886.2); short protein forms H178Q, H287Q.
Identifiers: ClinVar variation 4711845 (VCV004711845.1).

ClinVar aggregate classification (germline): Uncertain significance (1 of 4 stars; one submission).

Submission:

Labcorp Genetics (formerly Invitae), Labcorp
Classification: Uncertain significance. Last evaluated: 2025-07-24. Review status: criteria provided, single submitter. Criteria: Invitae Variant Classification Sherloc (09022015). Collection method: clinical testing. Allele origin: germline.
Comment: This sequence change replaces histidine, which is basic and polar, with glutamine, which is neutral and polar, at codon 287 of the AAGAB protein (p.His287Gln). This variant is not present in population databases (gnomAD no frequency). This variant has not been reported in the literature in individuals affected with AAGAB-related conditions. An algorithm developed to predict the effect of missense changes on protein structure and function (PolyPhen-2) suggests that this variant is likely to be disruptive. In summary, the available evidence is currently insufficient to determine the role of this variant in disease. Therefore, it has been classified as a Variant of Uncertain Significance.